The following is an entry in ClinVar:

ClinVar aggregate classification (germline): Uncertain significance (1 of 4 stars; one submission).

Conditions:
Inborn genetic diseases. Identifiers: MedGen C0950123, MeSH D030342.

gnomAD v4.1: 1 of 1,614,122 alleles (0.000062%); highest among the groups gnomAD compares: South Asian, 0.0011%; no homozygotes.

Submission:

Ambry Genetics
Classification: Uncertain significance for Inborn genetic diseases. Last evaluated: 2024-09-16. Review status: criteria provided, single submitter. Criteria: Ambry Variant Classification Scheme 2023. Collection method: clinical testing. Allele origin: germline.
Comment: The p.P586T variant (also known as c.1756C>A), located in coding exon 15 of the BUB1B gene, results from a C to A substitution at nucleotide position 1756. The proline at codon 586 is replaced by threonine, an amino acid with highly similar properties. This amino acid position is conserved. In addition, this alteration is predicted to be tolerated by in silico analysis. Based on the available evidence, the clinical significance of this variant remains unclear.

NM_001211.6(BUB1B):c.1756C>A (p.Pro586Thr)

Gene: BUB1B (BUB1 mitotic checkpoint serine/threonine kinase B; plus strand). Cytogenetic location: 15q15.1.
Variant type: single nucleotide variant.
Coding change: c.1756C>A on transcript NM_001211.6 (MANE Select); coding-DNA position 1756, C replaced by A.
Protein change: p.Pro586Thr; replaces proline 586 with threonine.
Molecular consequence: missense variant.
Genome position (GRCh38, 1-based): chr15:40,206,205, C>A. VCF-style: chr15-40206205-C-A. GRCh37 (hg19) VCF-style: chr15-40498406-C-A.
Other names: short protein forms P586T.
Identifiers: ClinVar variation 3483195 (VCV003483195.1).